The following is an entry in ClinVar:

ClinVar aggregate classification (germline): Benign/Likely benign. Review status: criteria provided, multiple submitters, no conflicts (2 of 4 stars). 2 submissions from 2 submitters: Benign (1); Likely benign (1). Last evaluated 2025-07-06.

Allele frequency attached by ClinVar (database versions not stated): gnomAD 0.00032; TOPMed 0.00036; ExAC 0.00041; ESP Exome Variant Server 0.00075.
gnomAD v4.1: 471 of 1,613,864 alleles (0.029%); highest among the groups gnomAD compares: Non-Finnish European, 0.0047%; 2 homozygotes.

Submissions (2):

Labcorp Genetics (formerly Invitae), Labcorp
Classification: Benign. Last evaluated: 2025-07-06. Review status: criteria provided, single submitter. Criteria: Invitae Variant Classification Sherloc (09022015). Collection method: clinical testing. Allele origin: germline.

CeGaT Center for Human Genetics Tuebingen
Classification: Likely benign. Last evaluated: 2024-11-01. Review status: criteria provided, single submitter. Criteria: CeGaT Center For Human Genetics Tuebingen Variant Classification Criteria Version 2. Collection method: clinical testing. Allele origin: germline. Affected: yes. Observed: 2 variant alleles.
Comment: FAT1: BP4, BS1

NM_005245.4(FAT1):c.1906G>A (p.Ala636Thr)

Gene: FAT1 (FAT atypical cadherin 1; minus strand). Cytogenetic location: 4q35.2.
Variant type: single nucleotide variant.
Coding change: c.1906G>A on transcript NM_005245.4 (MANE Select); coding-DNA position 1906, G replaced by A.
Protein change: p.Ala636Thr; replaces alanine 636 with threonine.
Molecular consequence: missense variant.
Genome position (GRCh38, 1-based): chr4:186,707,922, C>T on the plus strand (G>A on the coding strand, the complement: FAT1 is on the minus strand). VCF-style: chr4-186707922-C-T. GRCh37 (hg19) VCF-style: chr4-187629076-C-T.
Other names: short protein forms A636T.
Identifiers: ClinVar variation 2063764 (VCV002063764.28), dbSNP rs202140013, ClinGen allele CA3167358.
Genomic context (GRCh38, chr4:186,707,922, plus strand): 5'-GTGTGGCAAAATTTTCTCCATCTGTAGCTGTGATTCTCAGACTGTGGAAAGACACCTTTG[C>T]ACCTAAGCCATCCATTAGCGATCGCTTTAATGACAATACCCCCGAGTTGGGGTTTAAACT-3'
Protein context (NP_005236.2, residues 626-646): LKRSLMDGLG[Ala636Thr]KVSFHSLRIT